The following is an entry in ClinVar:

NM_001077350.3(NPRL3):c.152C>T (p.Thr51Met)

Genes: HBA-LCR (alpha-globin locus control region; plus strand), NPRL3 (NPR3 like, GATOR1 complex subunit; minus strand). Cytogenetic location: 16p13.3.
Variant type: single nucleotide variant.
Coding change: c.152C>T on transcript NM_001077350.3 (MANE Select); coding-DNA position 152, C replaced by T.
Protein change: p.Thr51Met; replaces threonine 51 with methionine.
Molecular consequence: missense variant. On other transcripts: 5 prime UTR variant (2).
Genome position (GRCh38, 1-based): chr16:130,558, G>A on the plus strand (C>T on the coding strand, the complement: NPRL3 is on the minus strand). VCF-style: chr16-130558-G-A. GRCh37 (hg19) VCF-style: chr16-180557-G-A.
Other names: c.-181C>T (NM_001039476.3); c.-220C>T (NM_001243247.2); c.152C>T, p.Thr51Met (NM_001243248.2, NM_001243249.2); short protein forms T51M.
Identifiers: ClinVar variation 1510363 (VCV001510363.36), dbSNP rs777208794, ClinGen allele CA7769765.

ClinVar aggregate classification (germline): Conflicting classifications of pathogenicity. Review status: criteria provided, conflicting classifications (1 of 4 stars). 3 submissions from 3 submitters: Uncertain significance (1); Likely benign (2). Last evaluated 2025-03-16.

Conditions:
Epilepsy, familial focal, with variable foci 3 (FFEVF3). Identifiers: MedGen C4310708, MONDO:0014925, OMIM 617118.

Allele frequency attached by ClinVar (database versions not stated): TOPMed below 0.00001; gnomAD 0.00001.
gnomAD v4.1: 22 of 1,555,204 alleles (0.0014%); highest among the groups gnomAD compares: East Asian, 0.0073%; 1 homozygote.

Submissions (3):

Labcorp Genetics (formerly Invitae), Labcorp
Classification: Uncertain significance for Epilepsy, familial focal, with variable foci 3. Last evaluated: 2025-03-16. Review status: criteria provided, single submitter. Criteria: Invitae Variant Classification Sherloc (09022015). Collection method: clinical testing. Allele origin: germline.
Comment: This sequence change replaces threonine, which is neutral and polar, with methionine, which is neutral and non-polar, at codon 51 of the NPRL3 protein (p.Thr51Met). The frequency data for this variant in the population databases is considered unreliable, as metrics indicate poor data quality at this position in the gnomAD database. This variant has not been reported in the literature in individuals affected with NPRL3-related conditions. ClinVar contains an entry for this variant (Variation ID: 1510363). Invitae Evidence Modeling of protein sequence and biophysical properties (such as structural, functional, and spatial information, amino acid conservation, physicochemical variation, residue mobility, and thermodynamic stability) indicates that this missense variant is not expected to disrupt NPRL3 protein function with a negative predictive value of 80%. In summary, the available evidence is currently insufficient to determine the role of this variant in disease. Therefore, it has been classified as a Variant of Uncertain Significance.

Blueprint Genetics
Classification: Likely benign. Last evaluated: 2024-09-17. Review status: criteria provided, single submitter. Criteria: ACMG Guidelines, 2015. Collection method: clinical testing. Allele origin: germline.

CeGaT Center for Human Genetics Tuebingen
Classification: Likely benign. Last evaluated: 2022-10-01. Review status: criteria provided, single submitter. Criteria: CeGaT Center For Human Genetics Tuebingen Variant Classification Criteria Version 2. Collection method: clinical testing. Allele origin: germline. Affected: yes. Observed: 2 variant alleles.
Comment: NPRL3: BP4